The following is an entry in ClinVar:

NM_201384.3(PLEC):c.10897C>T (p.Arg3633Cys)

Gene: PLEC (plectin; minus strand). Cytogenetic location: 8q24.3.
Variant type: single nucleotide variant.
Coding change: c.10897C>T on transcript NM_201384.3 (MANE Select); coding-DNA position 10897, C replaced by T.
Protein change: p.Arg3633Cys; replaces arginine 3633 with cysteine.
Molecular consequence: missense variant.
Genome position (GRCh38, 1-based): chr8:143,918,924, G>A on the plus strand (C>T on the coding strand, the complement: PLEC is on the minus strand). VCF-style: chr8-143918924-G-A. GRCh37 (hg19) VCF-style: chr8-144993092-G-A.
Other names: c.10978C>T, p.Arg3660Cys (NM_000445.5); c.10855C>T, p.Arg3619Cys (NM_201378.4); c.10831C>T, p.Arg3611Cys (NM_201379.3); c.11308C>T, p.Arg3770Cys (NM_201380.4); c.10801C>T, p.Arg3601Cys (NM_201381.3); c.10897C>T, p.Arg3633Cys (NM_201382.4); c.10909C>T, p.Arg3637Cys (NM_201383.3); short protein forms R3619C, R3660C, R3601C, R3633C, R3770C, R3611C, R3637C.
Identifiers: ClinVar variation 644324 (VCV000644324.20), dbSNP rs200653006, ClinGen allele CA4924506.

ClinVar aggregate classification (germline): Uncertain significance. Review status: criteria provided, multiple submitters, no conflicts (2 of 4 stars). 6 submissions from 6 submitters: Uncertain significance (6). Last evaluated 2026-09-03.

Conditions:
Epidermolysis bullosa simplex 5B, with muscular dystrophy (EBS5B). Also called: Epidermolysis bullosa simplex with muscular dystrophy; EPIDERMOLYSIS BULLOSA SIMPLEX AND LIMB-GIRDLE MUSCULAR DYSTROPHY. Identifiers: Orphanet 257, MedGen C2931072, MONDO:0009181, OMIM 226670.
Autosomal recessive limb-girdle muscular dystrophy type 2Q (LGMDR17). Also called: MUSCULAR DYSTROPHY, LIMB-GIRDLE, AUTOSOMAL RECESSIVE 17. Identifiers: Orphanet 254361, MedGen C3150989, MONDO:0013390, OMIM 613723.
Epidermolysis bullosa simplex 5C, with pyloric atresia (EBS5C). Also called: PLEC-Related Epidermolysis Bullosa with Pyloric Atresia; PLEC1-Related Epidermolysis Bullosa with Pyloric Atresia; Epidermolysis bullosa simplex with pyloric atresia. Identifiers: Orphanet 158684, MedGen C2677349, MONDO:0012807, OMIM 612138.
Epidermolysis bullosa simplex, Ogna type (EBS5A). Also called: Pidermolysis bullosa simplex 5A, Ogna type; EPIDERMOLYSIS BULLOSA SIMPLEX 5A, OGNA TYPE. Identifiers: Orphanet 79401, MedGen C0432317, MONDO:0007555, OMIM 131950.
Epidermolysis bullosa simplex with nail dystrophy (EBS5D). Identifiers: MedGen C4225309, MONDO:0014661, OMIM 616487.
PLEC-related disorder. Also called: PLEC-related condition; PLEC-related disorders.
Inborn genetic diseases. Identifiers: MedGen C0950123, MeSH D030342.

Allele frequency attached by ClinVar (database versions not stated): ExAC 0.00006; gnomAD exomes 0.00006; TOPMed 0.00007; gnomAD 0.00009.
gnomAD v4.1: 101 of 1,610,758 alleles (0.0063%); highest among the groups gnomAD compares: Admixed American, 0.01%; no homozygotes.

Submissions (6):

PreventionGenetics, part of Exact Sciences
Classification: Uncertain significance for PLEC-related condition. Last evaluated: 2026-09-03. Review status: criteria provided, single submitter. Criteria: ACMG Guidelines, 2015. Collection method: clinical testing. Allele origin: germline.
Comment: The PLEC c.10978C>T variant is predicted to result in the amino acid substitution p.Arg3660Cys. To our knowledge, this variant has not been reported in the literature. This variant is reported in 0.013% of alleles in individuals of European (Finnish) descent in gnomAD. At this time, the clinical significance of this variant is uncertain due to the absence of conclusive functional and genetic evidence.

Labcorp Genetics (formerly Invitae), Labcorp
Classification: Uncertain significance for Autosomal recessive limb-girdle muscular dystrophy type 2Q; Epidermolysis bullosa simplex, Ogna type; Epidermolysis bullosa simplex with nail dystrophy; Epidermolysis bullosa simplex 5C, with pyloric atresia; Epidermolysis bullosa simplex 5B, with muscular dystrophy. Last evaluated: 2025-12-09. Review status: criteria provided, single submitter. Criteria: Invitae Variant Classification Sherloc (09022015). Collection method: clinical testing. Allele origin: germline.
Comment: This sequence change replaces arginine, which is basic and polar, with cysteine, which is neutral and slightly polar, at codon 3660 of the PLEC protein (p.Arg3660Cys). This variant is present in population databases (rs200653006, gnomAD 0.01%). This variant has not been reported in the literature in individuals affected with PLEC-related conditions. ClinVar contains an entry for this variant (Variation ID: 644324). An algorithm developed to predict the effect of missense changes on protein structure and function (PolyPhen-2) suggests that this variant is likely to be disruptive. In summary, the available evidence is currently insufficient to determine the role of this variant in disease. Therefore, it has been classified as a Variant of Uncertain Significance.

GeneDx
Classification: Uncertain significance. Last evaluated: 2025-07-08. Review status: criteria provided, single submitter. Criteria: GeneDx Variant Classification Process June 2021. Collection method: clinical testing. Allele origin: germline. Affected: yes.
Comment: Not observed at significant frequency in large population cohorts (gnomAD); In silico analysis supports that this missense variant has a deleterious effect on protein structure/function; Missense variant in a gene in which most reported pathogenic variants are truncating/loss of function; Has not been previously published as pathogenic or benign to our knowledge

Ambry Genetics
Classification: Uncertain significance for Inborn genetic diseases. Last evaluated: 2025-04-10. Review status: criteria provided, single submitter. Criteria: Ambry Variant Classification Scheme 2023. Collection method: clinical testing. Allele origin: germline.

Athena Diagnostics
Classification: Uncertain significance. Last evaluated: 2020-11-19. Review status: criteria provided, single submitter. Criteria: Athena Diagnostics criteria. Collection method: clinical testing. Allele origin: unknown.

Revvity Omics, Revvity
Classification: Uncertain significance. Last evaluated: 2019-12-03. Review status: criteria provided, single submitter. Criteria: ACMG Guidelines, 2015. Collection method: clinical testing. Allele origin: germline.